The following is an entry in ClinVar:

ClinVar aggregate classification (germline): Pathogenic. Review status: criteria provided, multiple submitters, no conflicts (2 of 4 stars). 2 submissions from 2 submitters: Pathogenic (2). Last evaluated 2026-09-01.

Submissions (2):

CeGaT Center for Human Genetics Tuebingen
Classification: Pathogenic. Last evaluated: 2026-09-01. Review status: criteria provided, single submitter. Criteria: CeGaT Center For Human Genetics Tuebingen Variant Classification Criteria Version 2. Collection method: clinical testing. Allele origin: germline. Affected: yes. Observed: 1 variant allele.
Comment: SLC20A2: PVS1, PM2, PS4:Supporting

Labcorp Genetics (formerly Invitae), Labcorp
Classification: Pathogenic. Last evaluated: 2022-12-18. Review status: criteria provided, single submitter. Criteria: Invitae Variant Classification Sherloc (09022015). Collection method: clinical testing. Allele origin: germline.
Comment: This sequence change creates a premature translational stop signal (p.Val230Cysfs*28) in the SLC20A2 gene. It is expected to result in an absent or disrupted protein product. Loss-of-function variants in SLC20A2 are known to be pathogenic (PMID: 23334463). This variant is not present in population databases (gnomAD no frequency). This premature translational stop signal has been observed in individual(s) with clinical features of primary basal ganglia calcification (PMID: 33471268). For these reasons, this variant has been classified as Pathogenic.

Literature cited by the submitters: PubMed 23334463 (cited by Labcorp Genetics (formerly Invitae), Labcorp); PubMed 33471268 (cited by Labcorp Genetics (formerly Invitae), Labcorp).

NM_001257180.2(SLC20A2):c.687dup (p.Val230fs)

Gene: SLC20A2 (solute carrier family 20 member 2; minus strand). Cytogenetic location: 8p11.21.
Variant type: Duplication.
Coding change: c.687dup on transcript NM_001257180.2 (MANE Select); coding-DNA position 687, one base duplicated (T; older notation c.687dupT).
Protein change: p.Val230fs; shifts the reading frame from valine 230.
Molecular consequence: frameshift variant.
Genome position (GRCh38, 1-based): chr8:42,444,689, A duplicated on the plus strand (T on the coding strand, the reverse complement: SLC20A2 is on the minus strand); the first of 7 consecutive A bases (chr8:42,444,689-42,444,695); duplicating any one gives the same sequence. VCF-style (leftmost placement, unchanged base first): chr8-42444688-C-CA. GRCh37 (hg19) VCF-style: chr8-42302206-C-CA.
Other names: c.687dup, p.Val230fs (NM_001257181.2, NM_006749.5); short protein forms V230fs.
Identifiers: ClinVar variation 2098481 (VCV002098481.5), dbSNP rs2487297016, ClinGen allele CA2579156599.
Genomic context (GRCh38, chr8:42,444,688, plus strand): 5'-GAATTAAAAGGCCCATACCTGTTATTTTCCTCCGCATCCACGGACACACGAAGAGCCACA[C>CA]AAAAAAAGCGAACAGGAGGGCGACACCAAAGGAAATGAGGGCTATGGCCCACATGGGGAG-3'